The following is an entry in ClinVar:

NM_002047.4(GARS1):c.983A>G (p.Asn328Ser)

Gene: GARS1 (glycyl-tRNA synthetase 1; plus strand). Cytogenetic location: 7p14.3.
Variant type: single nucleotide variant.
Coding change: c.983A>G on transcript NM_002047.4 (MANE Select); coding-DNA position 983, A replaced by G.
Protein change: p.Asn328Ser; replaces asparagine 328 with serine.
Molecular consequence: missense variant.
Genome position (GRCh38, 1-based): chr7:30,612,197, A>G. VCF-style: chr7-30612197-A-G. GRCh37 (hg19) VCF-style: chr7-30651813-A-G.
Other names: c.821A>G, p.Asn274Ser (NM_001316772.1); short protein forms N274S, N328S.
Identifiers: ClinVar variation 2657370 (VCV002657370.24), dbSNP rs200405722, ClinGen allele CA156050290.
Genomic context (GRCh38, chr7:30,612,197, plus strand): 5'-TCAAACGACTTTTGGAGTTCAACCAAGGAAAGTTGCCTTTTGCTGCTGCCCAGATTGGAA[A>G]TTCTTTTAGAAATGAGATCTCCCCTCGATCTGGACTGATCAGAGTCAGGTACTGCTCAGG-3'
Protein context (NP_002038.2, residues 318-338): KLPFAAAQIG[Asn328Ser]SFRNEISPRS

ClinVar aggregate classification (germline): Uncertain significance (1 of 4 stars; one submission).

Allele frequency attached by ClinVar (database versions not stated): gnomAD exomes below 0.00001; TOPMed below 0.00001.
gnomAD v4.1: 2 of 1,614,132 alleles (0.00012%); highest among the groups gnomAD compares: Non-Finnish European, 0.00017%; no homozygotes.

Submission:

CeGaT Center for Human Genetics Tuebingen
Classification: Uncertain significance. Last evaluated: 2023-10-01. Review status: criteria provided, single submitter. Criteria: CeGaT Center For Human Genetics Tuebingen Variant Classification Criteria Version 2. Collection method: clinical testing. Allele origin: germline. Affected: yes. Observed: 1 variant allele.
Comment: GARS1: PM2